The following is an entry in ClinVar:

NM_001267550.2(TTN):c.19254G>A (p.Trp6418Ter)

Gene: TTN (titin; minus strand). Cytogenetic location: 2q31.2.
Variant type: single nucleotide variant.
Coding change: c.19254G>A on transcript NM_001267550.2 (MANE Select); coding-DNA position 19254, G replaced by A.
Protein change: p.Trp6418Ter; replaces tryptophan 6418 with a stop codon.
Molecular consequence: nonsense. On other transcripts: intron variant (3).
Genome position (GRCh38, 1-based): chr2:178,728,672, C>T on the plus strand (G>A on the coding strand, the complement: TTN is on the minus strand). VCF-style: chr2-178728672-C-T. GRCh37 (hg19) VCF-style: chr2-179593399-C-T.
Other names: c.19254G>A (NM_001267550.1); c.18303G>A, p.Trp6101Ter (NM_001256850.1); c.15522G>A, p.Trp5174Ter (NM_133378.4); c.13282+9410G>A (NM_003319.4); c.13858+9410G>A (NM_133437.4); c.13657+9410G>A (NM_133432.3); short protein forms W5174*, W6101*, W6418*.
Identifiers: ClinVar variation 1163434 (VCV001163434.10), dbSNP rs2154306627, ClinGen allele CA349556809.

ClinVar aggregate classification (germline): Conflicting classifications of pathogenicity. Review status: criteria provided, conflicting classifications (1 of 4 stars). 3 submissions from 3 submitters: Likely pathogenic (1); Uncertain significance (2). Last evaluated 2024-10-18.

Conditions:
Dilated cardiomyopathy 1G (CMD1G). Identifiers: Orphanet 154, MedGen C1858763, MONDO:0011400, OMIM 604145.
Autosomal recessive limb-girdle muscular dystrophy type 2J (LGMDR10). Also called: Limb-girdle muscular dystrophy, type 2J; MUSCULAR DYSTROPHY, LIMB-GIRDLE, AUTOSOMAL RECESSIVE 10. Identifiers: Orphanet 140922, MedGen C1837342, MONDO:0012127, OMIM 608807.

gnomAD v4.1: 2 of 1,613,356 alleles (0.00012%); highest among the groups gnomAD compares: Non-Finnish European, 0.00017%; no homozygotes.

Submissions (3):

Labcorp Genetics (formerly Invitae), Labcorp
Classification: Likely pathogenic for Dilated cardiomyopathy 1G; Autosomal recessive limb-girdle muscular dystrophy type 2J. Last evaluated: 2024-10-18. Review status: criteria provided, single submitter. Criteria: Invitae Variant Classification Sherloc (09022015). Collection method: clinical testing. Allele origin: germline.
Comment: This sequence change creates a premature translational stop signal (p.Trp6418*) in the TTN gene. While this is not anticipated to result in nonsense mediated decay, it is expected to create a truncated TTN protein. This variant is not present in population databases (gnomAD no frequency). This variant has not been reported in the literature in individuals affected with TTN-related conditions. ClinVar contains an entry for this variant (Variation ID: 1163434). This variant is located in the I band of TTN (PMID: 25589632). Truncating variants in this region have been reported in individuals affected with autosomal recessive centronuclear myopathy (PMID: 23975875, internal data). Truncating variants in this region have also been identified in individuals affected with autosomal dominant dilated cardiomyopathy and/or cardio-related conditions (PMID: 27869827, 32964742, internal data). In summary, the currently available evidence indicates that the variant is pathogenic, but additional data are needed to prove that conclusively. Therefore, this variant has been classified as Likely Pathogenic.

GeneDx
Classification: Uncertain significance. Last evaluated: 2023-06-29. Review status: criteria provided, single submitter. Criteria: GeneDx Variant Classification Process June 2021. Collection method: clinical testing. Allele origin: germline. Affected: yes.
Comment: Nonsense variant predicted to result in protein truncation or nonsense mediated decay in a gene or region of a gene for which loss of function is not a well-established mechanism of disease; Not observed at significant frequency in large population cohorts (gnomAD); Has not been previously published as pathogenic or benign to our knowledge

Mayo Clinic Laboratories, Mayo Clinic
Classification: Uncertain significance. Last evaluated: 2020-07-24. Review status: criteria provided, single submitter. Criteria: ACMG Guidelines, 2015. Collection method: clinical testing. Allele origin: germline. Observed: 1 variant allele.

Literature cited by the submitters: PubMed 25589632 (cited by Labcorp Genetics (formerly Invitae), Labcorp); PubMed 23975875 (cited by Labcorp Genetics (formerly Invitae), Labcorp); PubMed 27869827 (cited by Labcorp Genetics (formerly Invitae), Labcorp); PubMed 32964742 (cited by Labcorp Genetics (formerly Invitae), Labcorp).